The following is an entry in ClinVar:

ClinVar aggregate classification (germline): Uncertain significance (1 of 4 stars; one submission).

Allele frequency attached by ClinVar (database versions not stated): gnomAD exomes below 0.00001; TOPMed below 0.00001; gnomAD 0.00001.
gnomAD v4.1: 2 of 1,607,924 alleles (0.00012%); highest among the groups gnomAD compares: African/African-American, 0.0027%; no homozygotes.

Submission:

Labcorp Genetics (formerly Invitae), Labcorp
Classification: Uncertain significance. Last evaluated: 2022-07-19. Review status: criteria provided, single submitter. Criteria: Invitae Variant Classification Sherloc (09022015). Collection method: clinical testing. Allele origin: germline.
Comment: In summary, the available evidence is currently insufficient to determine the role of this variant in disease. Therefore, it has been classified as a Variant of Uncertain Significance. Algorithms developed to predict the effect of missense changes on protein structure and function are either unavailable or do not agree on the potential impact of this missense change (SIFT: "Not Available"; PolyPhen-2: "Benign"; Align-GVGD: "Not Available"). ClinVar contains an entry for this variant (Variation ID: 1351378). This variant has not been reported in the literature in individuals affected with CEP250-related conditions. This variant is not present in population databases (gnomAD no frequency). This sequence change replaces glutamic acid, which is acidic and polar, with glutamine, which is neutral and polar, at codon 1164 of the CEP250 protein (p.Glu1164Gln).

NM_007186.6(CEP250):c.3490G>C (p.Glu1164Gln)

Gene: CEP250 (centrosomal protein 250; plus strand). Cytogenetic location: 20q11.22.
Variant type: single nucleotide variant.
Coding change: c.3490G>C on transcript NM_007186.6 (MANE Select); coding-DNA position 3490, G replaced by C.
Protein change: p.Glu1164Gln; replaces glutamic acid 1164 with glutamine.
Molecular consequence: missense variant.
Genome position (GRCh38, 1-based): chr20:35,497,902, G>C. VCF-style: chr20-35497902-G-C. GRCh37 (hg19) VCF-style: chr20-34085731-G-C.
Other names: c.1594G>C, p.Glu532Gln (NM_001318219.1); short protein forms E532Q, E1164Q.
Identifiers: ClinVar variation 1351378 (VCV001351378.6), dbSNP rs953836987, ClinGen allele CA314156533.